The following is an entry in ClinVar:

NM_005883.3(APC2):c.2158G>A (p.Val720Met)

Gene: APC2 (APC regulator of Wnt signaling pathway 2; plus strand). Cytogenetic location: 19p13.3.
Variant type: single nucleotide variant.
Coding change: c.2158G>A on transcript NM_005883.3 (MANE Select); coding-DNA position 2158, G replaced by A.
Protein change: p.Val720Met; replaces valine 720 with methionine.
Molecular consequence: missense variant.
Genome position (GRCh38, 1-based): chr19:1,465,459, G>A. VCF-style: chr19-1465459-G-A. GRCh37 (hg19) VCF-style: chr19-1465458-G-A.
Other names: c.2155G>A, p.Val719Met (NM_001351273.1); short protein forms V719M, V720M.
Identifiers: ClinVar variation 4583172 (VCV004583172.1).

ClinVar aggregate classification (germline): Uncertain significance (1 of 4 stars; one submission).

Conditions:
Inborn genetic diseases. Identifiers: MedGen C0950123, MeSH D030342.

gnomAD v4.1: 6 of 1,533,540 alleles (0.00039%); highest among the groups gnomAD compares: East Asian, 0.0025%; no homozygotes.

Submission:

Ambry Genetics
Classification: Uncertain significance for Inborn genetic diseases. Last evaluated: 2025-11-13. Review status: criteria provided, single submitter. Criteria: Ambry Variant Classification Scheme 2023. Collection method: clinical testing. Allele origin: germline.
Comment: The c.2158G>A (p.V720M) alteration is located in exon 15 (coding exon 14) of the APC2 gene. This alteration results from a G to A substitution at nucleotide position 2158, causing the valine (V) at amino acid position 720 to be replaced by a methionine (M). Based on data from gnomAD, the A allele has an overall frequency of <0.001% (0/128850) total alleles studied. The highest observed frequency was <0.001% (/) of alleles. Based on insufficient or conflicting evidence, the clinical significance of this alteration remains unclear.